The following is an entry in ClinVar:

NM_000784.4(CYP27A1):c.1087G>A (p.Glu363Lys)

Gene: CYP27A1 (cytochrome P450 family 27 subfamily A member 1; plus strand). Cytogenetic location: 2q35.
Variant type: single nucleotide variant.
Coding change: c.1087G>A on transcript NM_000784.4 (MANE Select); coding-DNA position 1087, G replaced by A.
Protein change: p.Glu363Lys; replaces glutamic acid 363 with lysine.
Molecular consequence: missense variant.
Genome position (GRCh38, 1-based): chr2:218,814,090, G>A. VCF-style: chr2-218814090-G-A. GRCh37 (hg19) VCF-style: chr2-219678813-G-A.
Other names: short protein forms E363K.
Identifiers: ClinVar variation 1959840 (VCV001959840.2), dbSNP rs72551321, ClinGen allele CA350591772.

ClinVar aggregate classification (germline): Uncertain significance (1 of 4 stars; one submission).

Conditions:
Cholestanol storage disease (CTX). Also called: CEREBRAL CHOLESTERINOSIS; Cerebrotendinous Xanthomatosis; CTX: Cerebrotendinous xanthomatosis. Identifiers: Orphanet 909, MedGen C0238052, MONDO:0008948, OMIM 213700.

Allele frequency attached by ClinVar (database versions not stated): gnomAD exomes below 0.00001; TOPMed below 0.00001; gnomAD 0.00001; 1000 Genomes Project 30x 0.00016.
gnomAD v4.1: 5 of 1,614,244 alleles (0.00031%); highest among the groups gnomAD compares: South Asian, 0.0011%; no homozygotes.

Submission:

Labcorp Genetics (formerly Invitae), Labcorp
Classification: Uncertain significance for Cholestanol storage disease. Last evaluated: 2022-03-26. Review status: criteria provided, single submitter. Criteria: Invitae Variant Classification Sherloc (09022015). Collection method: clinical testing. Allele origin: germline.
Comment: This sequence change replaces glutamic acid, which is acidic and polar, with lysine, which is basic and polar, at codon 363 of the CYP27A1 protein (p.Glu363Lys). This variant is not present in population databases (gnomAD no frequency). This variant has not been reported in the literature in individuals affected with CYP27A1-related conditions. Advanced modeling of protein sequence and biophysical properties (such as structural, functional, and spatial information, amino acid conservation, physicochemical variation, residue mobility, and thermodynamic stability) performed at Invitae indicates that this missense variant is not expected to disrupt CYP27A1 protein function. In summary, the available evidence is currently insufficient to determine the role of this variant in disease. Therefore, it has been classified as a Variant of Uncertain Significance.